The following is an entry in ClinVar:

NM_004415.4(DSP):c.1821A>G (p.Lys607=)

Gene: DSP (desmoplakin; plus strand). Cytogenetic location: 6p24.3.
Variant type: single nucleotide variant.
Coding change: c.1821A>G on transcript NM_004415.4 (MANE Select); coding-DNA position 1821, A replaced by G.
Protein change: p.Lys607=; no amino-acid change (lysine 607 retained).
Molecular consequence: synonymous variant.
Genome position (GRCh38, 1-based): chr6:7,571,502, A>G. VCF-style: chr6-7571502-A-G. GRCh37 (hg19) VCF-style: chr6-7571735-A-G.
Other names: c.1821A>G (LRG_423t1); c.1821A>G, p.Lys607= (NM_001008844.3, NM_001319034.2).
Identifiers: ClinVar variation 632786 (VCV000632786.13), dbSNP rs768675424, ClinGen allele CA030147.

ClinVar aggregate classification (germline): Likely benign. Review status: criteria provided, multiple submitters, no conflicts (2 of 4 stars). 4 submissions from 4 submitters: Likely benign (4). Last evaluated 2026-02-24.

Conditions:
Arrhythmogenic cardiomyopathy with wooly hair and keratoderma. Also called: Arrhythmogenic cardiomyopathy with woolly hair and keratoderma; Carvajal syndrome; Dilated cardiomyopathy with woolly hair and keratoderma; PALMOPLANTAR KERATODERMA WITH LEFT VENTRICULAR CARDIOMYOPATHY AND WOOLLY HAIR. Identifiers: Orphanet 65282, MedGen C1854063, MONDO:0011581, OMIM 605676.
Arrhythmogenic right ventricular dysplasia 8 (ARVD8). Also called: ARRHYTHMOGENIC RIGHT VENTRICULAR DYSPLASIA, FAMILIAL, 8; ARRHYTHMOGENIC RIGHT VENTRICULAR CARDIOMYOPATHY 8; Arrhythmogenic Right Ventricular Dysplasia/Cardiomyopathy 8. Identifiers: MedGen C1843896, MONDO:0011831, OMIM 607450.
Cardiovascular phenotype. Identifiers: MedGen CN230736.
Cardiomyopathy (CMYO). Also called: Cardiomyopathies. Identifiers: Orphanet 167848, MedGen C0878544, MONDO:0004994, HP:0001638. Inheritance: Various modes of inheritance.

Allele frequency attached by ClinVar (database versions not stated): ExAC 0.00001; gnomAD 0.00001; TOPMed 0.00001; gnomAD exomes 0.00002 and 0.00003.
gnomAD v4.1: 30 of 1,614,098 alleles (0.0019%); highest among the groups gnomAD compares: Non-Finnish European, 0.0025%; no homozygotes.

Submissions (4):

Ambry Genetics
Classification: Likely benign for Cardiovascular phenotype. Last evaluated: 2026-02-24. Review status: criteria provided, single submitter. Criteria: Ambry Variant Classification Scheme 2023. Collection method: clinical testing. Allele origin: germline.

Labcorp Genetics (formerly Invitae), Labcorp
Classification: Likely benign for Arrhythmogenic cardiomyopathy with wooly hair and keratoderma; Arrhythmogenic right ventricular dysplasia 8. Last evaluated: 2024-04-25. Review status: criteria provided, single submitter. Criteria: Invitae Variant Classification Sherloc (09022015). Collection method: clinical testing. Allele origin: germline.

Color Diagnostics, LLC DBA Color Health
Classification: Likely benign for Cardiomyopathy. Last evaluated: 2019-11-24. Review status: criteria provided, single submitter. Criteria: ACMG Guidelines, 2015. Collection method: clinical testing. Allele origin: germline.

Women's Health and Genetics/Laboratory Corporation of America, LabCorp
Classification: Likely benign. Last evaluated: 2018-04-02. Review status: criteria provided, single submitter. Criteria: LabCorp Variant Classification Summary - May 2015. Collection method: clinical testing. Allele origin: germline.
Comment: Variant summary: DSP c.1821A>G alters a non-conserved nucleotide resulting in a synonymous change. 4/5 computational tools predict no significant impact on normal splicing. However, these predictions have yet to be confirmed by functional studies. The variant allele was found at a frequency of 2.8e-05 in 246042 control chromosomes (gnomAD). The observed variant frequency is approximately 3 fold above the estimated maximal expected allele frequency for a pathogenic variant in DSP causing Arrhythmia phenotype (1e-05). Additionally, all variant alleles in gnomAD were identified in the non-Finnish European subpopulation (6e-04), which is approximately 6 fold above the maximal expected allele frequency, suggesting that the variant is benign. However, evidence from ExAC and gnomAD data must be interpreted cautiously with regard to cardiac disorders since cohorts known to include patients with cardiac disease. To our knowledge, no occurrence of c.1821A>G in individuals affected with Arrhythmia and no experimental evidence demonstrating its impact on protein function have been reported. No clinical diagnostic laboratories have submitted clinical-significance assessments for this variant to ClinVar after 2014. Based on the evidence outlined above, the variant was classified as likely benign.